The following is an entry in ClinVar:

ClinVar aggregate classification (germline): Likely pathogenic (1 of 4 stars; one submission).

Conditions:
Neurodevelopmental disorder. Identifiers: MedGen C1535926, MeSH D065886, MONDO:0700092.

Submission:

Victorian Clinical Genetics Services, Murdoch Childrens Research Institute
Classification: Likely pathogenic for Neurodevelopmental disorder. Last evaluated: 2020-06-11. Review status: criteria provided, single submitter. Criteria: ACMG Guidelines, 2015. Collection method: clinical testing. Allele origin: germline. Inheritance: Autosomal dominant inheritance. Affected: yes.
Comment: Based on the classification scheme VCGS_Germline_v1.1.1, this variant is classified as Likely pathogenic. Following criteria are met: 0102 - Loss-of-function is a known mechanism of disease for this gene. (N) 0107 - This gene is known to be associated with autosomal dominant disease. (N) 0201 - Variant is predicted to cause nonsense-mediated decay (NMD) and loss of protein (exon 9 of 10). (P) 0251 - Variant is heterozygous. (N) 0301 - Variant is absent from gnomAD. (P) 0702 - Comparable variants have strong previous evidence for pathogenicity. Other variants predicted to cause NMD have been reported as pathogenic (unpublished evidence obtained by personal communication). (P) 0807 - Variant has not previously been reported in a clinical context. (N) 0905 - No segregation evidence has been identified for this variant. (N) 1007 - No published functional evidence has been identified for this variant. (P) Legend: (P) - Pathogenic, (N) - Neutral, (B) - Benign

NM_006885.4(ZFHX3):c.5749G>T (p.Glu1917Ter)

Genes: ZFHX3 (zinc finger homeobox 3; minus strand), ZFHX3-AS1 (ZFHX3 antisense RNA 1; plus strand). Cytogenetic location: 16q22.2.
Variant type: single nucleotide variant.
Coding change: c.5749G>T on transcript NM_006885.4 (MANE Select); coding-DNA position 5749, G replaced by T.
Protein change: p.Glu1917Ter; replaces glutamic acid 1917 with a stop codon.
Molecular consequence: nonsense.
Genome position (GRCh38, 1-based): chr16:72,796,933, C>A on the plus strand (G>T on the coding strand, the complement: ZFHX3 is on the minus strand). VCF-style: chr16-72796933-C-A. GRCh37 (hg19) VCF-style: chr16-72830832-C-A.
Other names: c.3007G>T, p.Glu1003Ter (NM_001164766.2); c.5749G>T, p.Glu1917Ter (NM_001386735.1); short protein forms E1003*, E1917*.
Identifiers: ClinVar variation 1805363 (VCV001805363.1), dbSNP rs2507406125, ClinGen allele CA396732026.
Genomic context (GRCh38, chr16:72,796,933, plus strand): 5'-CAATGCGTGGAGGGAGCATGGAAGGCTCAGAACCACCCCCTGGTGCCAACTCTTTCTTCT[C>A]TTTGGCCTTCAAGGCATCTGGCAGTGTTTCCTTCGGACCGGTGTTGCCCTCTCCCCCCTC-3'